The following is an entry in ClinVar:

NM_006005.3(WFS1):c.875C>T (p.Pro292Leu)

Gene: WFS1 (wolframin ER transmembrane glycoprotein; plus strand). Cytogenetic location: 4p16.1.
Variant type: single nucleotide variant.
Coding change: c.875C>T on transcript NM_006005.3 (MANE Select); coding-DNA position 875, C replaced by T.
Protein change: p.Pro292Leu; replaces proline 292 with leucine.
Molecular consequence: missense variant.
Genome position (GRCh38, 1-based): chr4:6,300,670, C>T. VCF-style: chr4-6300670-C-T. GRCh37 (hg19) VCF-style: chr4-6302397-C-T.
Other names: c.875C>T, p.Pro292Leu (NM_001145853.1); short protein forms P292L.
Identifiers: ClinVar variation 2420413 (VCV002420413.6), dbSNP rs1402207631, ClinGen allele CA356173795.

ClinVar aggregate classification (germline): Uncertain significance (1 of 4 stars; one submission).

Submission:

Labcorp Genetics (formerly Invitae), Labcorp
Classification: Uncertain significance. Last evaluated: 2022-09-17. Review status: criteria provided, single submitter. Criteria: Invitae Variant Classification Sherloc (09022015). Collection method: clinical testing. Allele origin: germline.
Comment: This sequence change replaces proline, which is neutral and non-polar, with leucine, which is neutral and non-polar, at codon 292 of the WFS1 protein (p.Pro292Leu). This variant is present in population databases (no rsID available, gnomAD 0.006%). This variant has not been reported in the literature in individuals affected with WFS1-related conditions. Advanced modeling of protein sequence and biophysical properties (such as structural, functional, and spatial information, amino acid conservation, physicochemical variation, residue mobility, and thermodynamic stability) performed at Invitae indicates that this missense variant is expected to disrupt WFS1 protein function. This variant disrupts the p.Pro292 amino acid residue in WFS1. Other variant(s) that disrupt this residue have been observed in individuals with WFS1-related conditions (PMID: 10521293, 26875006), which suggests that this may be a clinically significant amino acid residue. In summary, the available evidence is currently insufficient to determine the role of this variant in disease. Therefore, it has been classified as a Variant of Uncertain Significance.

Literature cited by the submitters: PubMed 10521293; PubMed 26875006.